The following is an entry in ClinVar:

ClinVar aggregate classification (germline): Benign. Review status: criteria provided, multiple submitters, no conflicts (2 of 4 stars). 3 submissions from 3 submitters: Benign (3). Last evaluated 2018-06-29.

Conditions:
Amish lethal microcephaly (MCPHA). Also called: THIAMINE METABOLISM DYSFUNCTION SYNDROME 3 (MICROCEPHALY TYPE); MICROCEPHALY, AMISH TYPE. Identifiers: Orphanet 99742, MedGen C1846648, MONDO:0011790, OMIM 607196.

Allele frequency attached by ClinVar (database versions not stated): 1000 Genomes Project 30x 0.85322; 1000 Genomes Project 0.86122; TOPMed 0.89341; gnomAD 0.90349 and 0.90609; gnomAD exomes 0.98901.
gnomAD v4.1: 138,070 of 152,228 alleles (91%); highest among the groups gnomAD compares: Non-Finnish European, 100%; 63,784 homozygotes.

Submissions (3):

GeneDx
Classification: Benign. Last evaluated: 2018-06-29. Review status: criteria provided, single submitter. Criteria: GeneDx Variant Classification Process June 2021. Collection method: clinical testing. Allele origin: germline. Affected: yes.

Illumina Laboratory Services, Illumina
Classification: Benign for Amish lethal microcephaly. Last evaluated: 2018-01-13. Review status: criteria provided, single submitter. Criteria: ICSL Variant Classification Criteria 13 December 2019. Collection method: clinical testing. Allele origin: germline.
Comment: This variant was observed in the ICSL laboratory as part of a predisposition screen in an ostensibly healthy population. It had not been previously curated by ICSL or reported in the Human Gene Mutation Database (HGMD: prior to June 1st, 2018), and was therefore a candidate for classification through an automated scoring system. Utilizing variant allele frequency, disease prevalence and penetrance estimates, and inheritance mode, an automated score was calculated to assess if this variant is too frequent to cause the disease. Based on the score and internal cut-off values, a variant classified as benign is not then subjected to further curation. The score for this variant resulted in a classification of benign for this disease.

Breakthrough Genomics
Classification: Benign. Review status: criteria provided, single submitter. Criteria: ACMG Guidelines, 2015. Collection method: not provided. Allele origin: germline. Inheritance: Autosomal recessive inheritance. Affected: yes.

NM_001126121.2(SLC25A19):c.-155T>G

Gene: SLC25A19 (solute carrier family 25 member 19; minus strand). Cytogenetic location: 17q25.1.
Variant type: single nucleotide variant.
Coding change: c.-155T>G on transcript NM_001126121.2 (MANE Select); 155 bases upstream of the start codon, T replaced by G.
Molecular consequence: 5 prime UTR variant.
Genome position (GRCh38, 1-based): chr17:75,289,380, A>C on the plus strand (T>G on the coding strand, the complement: SLC25A19 is on the minus strand). VCF-style: chr17-75289380-A-C. GRCh37 (hg19) VCF-style: chr17-73285461-A-C.
Other names: c.-65T>G (NM_001126122.2); c.-139T>G (NM_021734.5).
Identifiers: ClinVar variation 325069 (VCV000325069.7), dbSNP rs2291033, ClinGen allele CA10650939.